The following is an entry in ClinVar:

NM_001378454.1(ALMS1):c.8963C>T (p.Pro2988Leu)

Gene: ALMS1 (ALMS1 centrosome and basal body associated protein; plus strand). Cytogenetic location: 2p13.1.
Variant type: single nucleotide variant.
Coding change: c.8963C>T on transcript NM_001378454.1 (MANE Select); coding-DNA position 8963, C replaced by T.
Protein change: p.Pro2988Leu; replaces proline 2988 with leucine.
Molecular consequence: missense variant.
Genome position (GRCh38, 1-based): chr2:73,490,922, C>T. VCF-style: chr2-73490922-C-T. GRCh37 (hg19) VCF-style: chr2-73718049-C-T.
Other names: c.8966C>T, p.Pro2989Leu (NM_015120.4); short protein forms P2988L, P2989L.
Identifiers: ClinVar variation 1481073 (VCV001481073.3), dbSNP rs1224152145, ClinGen allele CA347271965.

ClinVar aggregate classification (germline): Uncertain significance (1 of 4 stars; one submission).

Conditions:
Alstrom syndrome (ALMS). Identifiers: Orphanet 64, MedGen C0268425, MONDO:0008763, OMIM 203800.

Allele frequency attached by ClinVar (database versions not stated): TOPMed 0.00002.
gnomAD v4.1: 7 of 1,614,120 alleles (0.00043%); highest among the groups gnomAD compares: Non-Finnish European, 0.00059%; no homozygotes.

Submission:

Labcorp Genetics (formerly Invitae), Labcorp
Classification: Uncertain significance for Alstrom syndrome. Last evaluated: 2020-12-10. Review status: criteria provided, single submitter. Criteria: Invitae Variant Classification Sherloc (09022015). Collection method: clinical testing. Allele origin: germline.
Comment: This sequence change replaces proline with leucine at codon 2989 of the ALMS1 protein (p.Pro2989Leu). The proline residue is moderately conserved and there is a moderate physicochemical difference between proline and leucine. This variant is not present in population databases (ExAC no frequency). This variant has not been reported in the literature in individuals with ALMS1-related conditions. Algorithms developed to predict the effect of missense changes on protein structure and function are either unavailable or do not agree on the potential impact of this missense change (SIFT: "Tolerated"; PolyPhen-2: "Probably Damaging"; Align-GVGD: "Class C0"). In summary, the available evidence is currently insufficient to determine the role of this variant in disease. Therefore, it has been classified as a Variant of Uncertain Significance.